The following is an entry in ClinVar:

NM_024740.2(ALG9):c.1364G>T (p.Arg455Leu)

Gene: ALG9 (ALG9 alpha-1,2-mannosyltransferase; minus strand). Cytogenetic location: 11q23.1.
Variant type: single nucleotide variant.
Coding change: c.1364G>T on transcript NM_024740.2 (MANE Select); coding-DNA position 1364, G replaced by T.
Protein change: p.Arg455Leu; replaces arginine 455 with leucine.
Molecular consequence: missense variant. On other transcripts: non-coding transcript variant (1).
Genome position (GRCh38, 1-based): chr11:111,837,576, C>A on the plus strand (G>T on the coding strand, the complement: ALG9 is on the minus strand). VCF-style: chr11-111837576-C-A. GRCh37 (hg19) VCF-style: chr11-111708299-C-A.
Other names: c.1343G>T, p.Arg448Leu (NM_001077690.1, NM_001352417.1); c.851G>T, p.Arg284Leu (NM_001077691.2, NM_001352413.1, NM_001352414.2 and 1 more transcripts); c.830G>T, p.Arg277Leu (NM_001077692.2, NM_001352409.1, NM_001352410.1 and 6 more transcripts); c.1220G>T, p.Arg407Leu (NM_001352418.1); c.755G>T, p.Arg252Leu (NM_001352422.2); c.707G>T, p.Arg236Leu (NM_001352423.2); short protein forms R252L, R277L, R236L, R284L, R448L, R407L, R455L.
Identifiers: ClinVar variation 2090307 (VCV002090307.4), dbSNP rs782144035, ClinGen allele CA382592681.

ClinVar aggregate classification (germline): Uncertain significance (1 of 4 stars; one submission).

Conditions:
ALG9 congenital disorder of glycosylation (CDG1L). Also called: ALG9-CDG; CDG Il; CONGENITAL DISORDER OF GLYCOSYLATION, TYPE Il. Identifiers: Orphanet 79328, MedGen C2931006, MONDO:0012117, OMIM 608776.

Submission:

Labcorp Genetics (formerly Invitae), Labcorp
Classification: Uncertain significance for ALG9 congenital disorder of glycosylation. Last evaluated: 2022-01-27. Review status: criteria provided, single submitter. Criteria: Invitae Variant Classification Sherloc (09022015). Collection method: clinical testing. Allele origin: germline.
Comment: In summary, the available evidence is currently insufficient to determine the role of this variant in disease. Therefore, it has been classified as a Variant of Uncertain Significance. Experimental studies and prediction algorithms are not available or were not evaluated, and the functional significance of this variant is currently unknown. This variant has not been reported in the literature in individuals affected with ALG9-related conditions. This variant is not present in population databases (gnomAD no frequency). This sequence change replaces arginine, which is basic and polar, with leucine, which is neutral and non-polar, at codon 455 of the ALG9 protein (p.Arg455Leu).